The following is an entry in ClinVar:

NM_201253.3(CRB1):c.2522C>T (p.Thr841Ile)

Gene: CRB1 (crumbs cell polarity complex component 1; plus strand). Cytogenetic location: 1q31.3.
Variant type: single nucleotide variant.
Coding change: c.2522C>T on transcript NM_201253.3 (MANE Select); coding-DNA position 2522, C replaced by T.
Protein change: p.Thr841Ile; replaces threonine 841 with isoleucine.
Molecular consequence: missense variant. On other transcripts: non-coding transcript variant (2), intron variant (1).
Genome position (GRCh38, 1-based): chr1:197,427,847, C>T. VCF-style: chr1-197427847-C-T. GRCh37 (hg19) VCF-style: chr1-197396977-C-T.
Other names: c.2186C>T, p.Thr729Ile (NM_001193640.2); c.2315C>T, p.Thr772Ile (NM_001257965.2); c.2128+5891C>T (NM_001257966.2); short protein forms T729I, T772I, T841I.
Identifiers: ClinVar variation 1058154 (VCV001058154.9), dbSNP rs2125484956, ClinGen allele CA344038011.

ClinVar aggregate classification (germline): Uncertain significance (1 of 4 stars; one submission).

Conditions:
Retinitis pigmentosa 12 (RP12). Also called: RP WITH OR WITHOUT PRESERVED PARAARTERIOLE RETINAL PIGMENT EPITHELIUM; RETINITIS PIGMENTOSA WITH OR WITHOUT PARAARTERIOLAR PRESERVATION OF RETINAL PIGMENT EPITHELIUM; RP WITH OR WITHOUT PPRPE. Identifiers: Orphanet 791, MedGen C1838647, MONDO:0010818, OMIM 600105.
Leber congenital amaurosis 8 (LCA8). Identifiers: Orphanet 65, MedGen C3151202, MONDO:0013453, OMIM 613835.

Submission:

Labcorp Genetics (formerly Invitae), Labcorp
Classification: Uncertain significance for Leber congenital amaurosis 8; Retinitis pigmentosa 12. Last evaluated: 2020-09-11. Review status: criteria provided, single submitter. Criteria: Invitae Variant Classification Sherloc (09022015). Collection method: clinical testing. Allele origin: germline.
Comment: This sequence change replaces threonine with isoleucine at codon 841 of the CRB1 protein (p.Thr841Ile). The threonine residue is highly conserved and there is a moderate physicochemical difference between threonine and isoleucine. This variant is not present in population databases (ExAC no frequency). This variant has not been reported in the literature in individuals with CRB1-related conditions. Advanced modeling of protein sequence and biophysical properties (such as structural, functional, and spatial information, amino acid conservation, physicochemical variation, residue mobility, and thermodynamic stability) performed at Invitae indicates that this missense variant is expected to disrupt CRB1 protein function. In summary, the available evidence is currently insufficient to determine the role of this variant in disease. Therefore, it has been classified as a Variant of Uncertain Significance.